The following is an entry in ClinVar:

NM_206933.4(USH2A):c.9055G>T (p.Glu3019Ter)

Gene: USH2A (usherin; minus strand). Cytogenetic location: 1q41.
Variant type: single nucleotide variant.
Coding change: c.9055G>T on transcript NM_206933.4 (MANE Select); coding-DNA position 9055, G replaced by T.
Protein change: p.Glu3019Ter; replaces glutamic acid 3019 with a stop codon.
Molecular consequence: nonsense.
Genome position (GRCh38, 1-based): chr1:215,845,824, C>A on the plus strand (G>T on the coding strand, the complement: USH2A is on the minus strand). VCF-style: chr1-215845824-C-A. GRCh37 (hg19) VCF-style: chr1-216019166-C-A.
Other names: short protein forms E3019*.
Identifiers: ClinVar variation 1724912 (VCV001724912.2), dbSNP rs2464610781, ClinGen allele CA344840126.

ClinVar aggregate classification (germline): Likely pathogenic (1 of 4 stars; one submission).

Conditions:
Usher syndrome type 2A. Also called: RETINAL DISEASE IN USHER SYNDROME TYPE IIA, MODIFIER OF; USHER SYNDROME, TYPE IIA. Identifiers: Orphanet 231178, Orphanet 886, MedGen C1848634, MONDO:0010169, OMIM 276901.

Submission:

Myriad Genetics, Inc.
Classification: Likely pathogenic for Usher syndrome type 2A. Last evaluated: 2022-03-02. Review status: criteria provided, single submitter. Criteria: Myriad Women's Health Autosomal Recessive and X-Linked Classification Criteria (2021). Collection method: clinical testing. Allele origin: unknown.
Comment: NM_206933.2(USH2A):c.9055G>T(E3019*) is expected to be pathogenic in the context of USH2A-related disorders. This variant is predicted to lead to an abnormal or absent protein product due to the creation of a premature termination codon in USH2A, a gene where loss-of-function variants are known to be pathogenic. Please note: this variant was assessed in the context of healthy population screening.